The following is an entry in ClinVar:

ClinVar aggregate classification (germline): Uncertain significance. Review status: criteria provided, multiple submitters, no conflicts (2 of 4 stars). 2 submissions from 2 submitters: Uncertain significance (2). Last evaluated 2026-06-15.

Conditions:
TMEM132E-related disorder. Also called: TMEM132E-related condition.

gnomAD v4.1: 31 of 1,613,980 alleles (0.0019%); highest among the groups gnomAD compares: African/African-American, 0.04%; no homozygotes.

Submissions (2):

PreventionGenetics, part of Exact Sciences
Classification: Uncertain significance for TMEM132E-related condition. Last evaluated: 2026-06-15. Review status: criteria provided, single submitter. Criteria: ACMG Guidelines, 2015. Collection method: clinical testing. Allele origin: germline.
Comment: The TMEM132E c.1037A>G variant is predicted to result in the amino acid substitution p.Lys346Arg. To our knowledge, this variant has not been reported in the literature. This variant is reported in 0.048% of alleles in individuals of African descent in gnomAD. At this time, the clinical significance of this variant is uncertain due to the absence of conclusive functional and genetic evidence.

Ambry Genetics
Classification: Uncertain significance. Last evaluated: 2025-04-10. Review status: criteria provided, single submitter. Criteria: Ambry Variant Classification Scheme 2023. Collection method: clinical testing. Allele origin: germline.

NM_001304438.2(TMEM132E):c.1037A>G (p.Lys346Arg)

Gene: TMEM132E (transmembrane protein 132E; plus strand). Cytogenetic location: 17q12.
Variant type: single nucleotide variant.
Coding change: c.1037A>G on transcript NM_001304438.2 (MANE Select); coding-DNA position 1037, A replaced by G.
Protein change: p.Lys346Arg; replaces lysine 346 with arginine.
Molecular consequence: missense variant.
Genome position (GRCh38, 1-based): chr17:34,628,601, A>G. VCF-style: chr17-34628601-A-G. GRCh37 (hg19) VCF-style: chr17-32955620-A-G.
Other names: NM_207313.1:c.767A>G; c.1037A>G (NM_001304438.1); short protein forms K346R.
Identifiers: ClinVar variation 3970064 (VCV003970064.2).
Genomic context (GRCh38, chr17:34,628,601, plus strand): 5'-TCTTCCTCCCACTTTGTCCCAGGGTGAAGGCCAAGAAGGGTGTGACCCTTTTAGGTACCA[A>G]GTCACGGAGTGGCCAGTGGCATGTGACCTCGGAGCTGCTGACTGGGGCAAAGCACTCAAC-3'
Protein context (NP_001291367.1, residues 336-356): AKKGVTLLGT[Lys346Arg]SRSGQWHVTS